The following is an entry in ClinVar:

NM_001130823.3(DNMT1):c.1011G>T (p.Glu337Asp)

Gene: DNMT1 (DNA methyltransferase 1; minus strand). Cytogenetic location: 19p13.2.
Variant type: single nucleotide variant.
Coding change: c.1011G>T on transcript NM_001130823.3 (MANE Select); coding-DNA position 1011, G replaced by T.
Protein change: p.Glu337Asp; replaces glutamic acid 337 with aspartic acid.
Molecular consequence: missense variant.
Genome position (GRCh38, 1-based): chr19:10,160,416, C>A on the plus strand (G>T on the coding strand, the complement: DNMT1 is on the minus strand). VCF-style: chr19-10160416-C-A. GRCh37 (hg19) VCF-style: chr19-10271092-C-A.
Other names: c.648G>T, p.Glu216Asp (NM_001318731.2); c.963G>T, p.Glu321Asp (NM_001379.4, NM_001318730.2); short protein forms E216D, E321D, E337D.
Identifiers: ClinVar variation 2758332 (VCV002758332.3), dbSNP rs2513838711, ClinGen allele CA403940380.
Genomic context (GRCh38, chr19:10,160,416, plus strand): 5'-TTCGATAATGTCAAGAATAAATTCTTACGGTTCTTTGGGGGTCGTTTTGCGTCTCTTCTC[C>A]TCCTACACAGGGAAAACAAAAGAGGATTAAAGGCTAAGAGAGTGTTTTACACCCAGATAG-3'
Protein context (NP_001124295.1, residues 327-347): ISDEKDEDEK[Glu337Asp]EKRRKTTPKE

ClinVar aggregate classification (germline): Uncertain significance (1 of 4 stars; one submission).

Conditions:
Hereditary sensory neuropathy-deafness-dementia syndrome. Also called: Hereditary sensory neuropathy type IE; NEUROPATHY, HEREDITARY SENSORY, WITH HEARING LOSS AND DEMENTIA; HSN IE; Hereditary Sensory and Autonomic Neuropathy Type 1E (HSAN1E). Identifiers: Orphanet 456318, MedGen C3279885, MONDO:0013584, OMIM 614116.

Submission:

Labcorp Genetics (formerly Invitae), Labcorp
Classification: Uncertain significance for Hereditary sensory neuropathy-deafness-dementia syndrome. Last evaluated: 2023-10-02. Review status: criteria provided, single submitter. Criteria: Invitae Variant Classification Sherloc (09022015). Collection method: clinical testing. Allele origin: germline.
Comment: This sequence change replaces glutamic acid, which is acidic and polar, with aspartic acid, which is acidic and polar, at codon 337 of the DNMT1 protein (p.Glu337Asp). This variant is not present in population databases (gnomAD no frequency). This variant has not been reported in the literature in individuals affected with DNMT1-related conditions. Algorithms developed to predict the effect of missense changes on protein structure and function output the following: SIFT: "Not Available"; PolyPhen-2: "Benign"; Align-GVGD: "Not Available". The aspartic acid amino acid residue is found in multiple mammalian species, which suggests that this missense change does not adversely affect protein function. In summary, the available evidence is currently insufficient to determine the role of this variant in disease. Therefore, it has been classified as a Variant of Uncertain Significance.